The following is an entry in ClinVar:

ClinVar aggregate classification (germline): Uncertain significance (1 of 4 stars; one submission).

Allele frequency attached by ClinVar (database versions not stated): gnomAD 0.00001; TOPMed 0.00001; gnomAD exomes 0.00003; ExAC 0.00004.
gnomAD v4.1: 24 of 1,614,004 alleles (0.0015%); highest among the groups gnomAD compares: South Asian, 0.015%; no homozygotes.

Submission:

Labcorp Genetics (formerly Invitae), Labcorp
Classification: Uncertain significance. Last evaluated: 2024-07-15. Review status: criteria provided, single submitter. Criteria: Invitae Variant Classification Sherloc (09022015). Collection method: clinical testing. Allele origin: germline.
Comment: This sequence change replaces arginine, which is basic and polar, with histidine, which is basic and polar, at codon 146 of the MMP2 protein (p.Arg146His). This variant is present in population databases (rs746613090, gnomAD 0.01%). This variant has not been reported in the literature in individuals affected with MMP2-related conditions. ClinVar contains an entry for this variant (Variation ID: 1374505). Advanced modeling of protein sequence and biophysical properties (such as structural, functional, and spatial information, amino acid conservation, physicochemical variation, residue mobility, and thermodynamic stability) has been performed at Invitae for this missense variant, however the output from this modeling did not meet the statistical confidence thresholds required to predict the impact of this variant on MMP2 protein function. In summary, the available evidence is currently insufficient to determine the role of this variant in disease. Therefore, it has been classified as a Variant of Uncertain Significance.

NM_004530.6(MMP2):c.437G>A (p.Arg146His)

Gene: MMP2 (matrix metallopeptidase 2; plus strand). Cytogenetic location: 16q12.2.
Variant type: single nucleotide variant.
Coding change: c.437G>A on transcript NM_004530.6 (MANE Select); coding-DNA position 437, G replaced by A.
Protein change: p.Arg146His; replaces arginine 146 with histidine.
Molecular consequence: missense variant.
Genome position (GRCh38, 1-based): chr16:55,484,072, G>A. VCF-style: chr16-55484072-G-A. GRCh37 (hg19) VCF-style: chr16-55517984-G-A.
Other names: c.287G>A, p.Arg96His (NM_001127891.3); c.209G>A, p.Arg70His (NM_001302508.1, NM_001302509.2, NM_001302510.2); short protein forms R70H, R146H, R96H.
Identifiers: ClinVar variation 1374505 (VCV001374505.6), dbSNP rs746613090, ClinGen allele CA8060086.
Genomic context (GRCh38, chr16:55,484,072, plus strand): 5'-CCAGGATCATTGGCTACACACCTGATCTGGACCCAGAGACAGTGGATGATGCCTTTGCTC[G>A]TGCCTTCCAAGTCTGGAGCGATGTGACCCCACTGCGGTTTTCTCGAATCCATGATGGAGA-3'
Protein context (NP_004521.1, residues 136-156): DPETVDDAFA[Arg146His]AFQVWSDVTP